The following is an entry in ClinVar:

NM_001182.5(ALDH7A1):c.191_192dup (p.Val65fs)

Gene: ALDH7A1 (aldehyde dehydrogenase 7 family member A1; minus strand). Cytogenetic location: 5q23.2.
Variant type: Microsatellite.
Coding change: c.191_192dup on transcript NM_001182.5 (MANE Select); coding-DNA positions 191 to 192, 2 bases duplicated (AG; older notation c.191_192dupAG).
Protein change: p.Val65fs; shifts the reading frame from valine 65.
Molecular consequence: frameshift variant.
Genome position (GRCh38, 1-based): chr5:126,595,007-126,595,008, CT duplicated on the plus strand (AG on the coding strand, the reverse complement: ALDH7A1 is on the minus strand); duplicating any 2 consecutive bases within chr5:126,595,007-126,595,011 gives the same sequence; the c. name uses the placement nearest the transcript's 3' end. VCF-style (leftmost placement, unchanged base first): chr5-126595006-C-CCT. GRCh37 (hg19) VCF-style: chr5-125930698-C-CCT.
Other names: c.107_108dup, p.Val37fs (NM_001201377.2); c.191_192dup, p.Val65fs (NM_001202404.2); short protein forms V37fs, V65fs.
Identifiers: ClinVar variation 204862 (VCV000204862.6), dbSNP rs796052270, ClinGen allele CA313230.

ClinVar aggregate classification (germline): Pathogenic. Review status: criteria provided, multiple submitters, no conflicts (2 of 4 stars). 3 submissions from 3 submitters: Pathogenic (2). 1 of the submissions does not count toward it. Last evaluated 2025-12-26.

Conditions:
ALDH7A1-related disorder. Also called: ALDH7A1-related condition.
Pyridoxine-dependent epilepsy (EPEO4). Also called: Pyridoxine-Dependent Seizures; EPILEPSY, EARLY-ONSET, 4, VITAMIN B6-DEPENDENT; Pyridoxine-Dependent Epilepsy - ALDH7A1; PYRIDOXINE DEPENDENCY WITH SEIZURES. Identifiers: Orphanet 3006, MedGen C1849508, MONDO:0009945, OMIM 266100. Disease mechanism: loss of function.

Submissions (3):

Labcorp Genetics (formerly Invitae), Labcorp
Classification: Pathogenic for Pyridoxine-dependent epilepsy. Last evaluated: 2025-12-26. Review status: criteria provided, single submitter. Criteria: Invitae Variant Classification Sherloc (09022015). Collection method: clinical testing. Allele origin: germline.
Comment: This sequence change creates a premature translational stop signal (p.Val65Argfs*14) in the ALDH7A1 gene. It is expected to result in an absent or disrupted protein product. Loss-of-function variants in ALDH7A1 are known to be pathogenic (PMID: 16491085, 20554659). This variant is not present in population databases (gnomAD no frequency). This variant has not been reported in the literature in individuals affected with ALDH7A1-related conditions. Algorithms developed to predict the effect of sequence changes on RNA splicing suggest that this variant may disrupt the consensus splice site. For these reasons, this variant has been classified as Pathogenic.

GeneDx
Classification: Pathogenic. Last evaluated: 2013-09-04. Review status: criteria provided, single submitter. Criteria: GeneDx Variant Classification (06012015). Collection method: clinical testing. Allele origin: germline. Affected: yes.
Comment: c.191_192dupAG: p.Val64ArgfsX14 (V64RfsX14) in exon 1 of the ALDH7A1 gene (NM_001182.3). Using uppercase to denote exonic bases and lowercase to denote intronic bases, the normal sequence with the bases that are duplicated in braces is: CGGGG{AG}gtac. The c.191_192dupAG mutation in the ALDH7A1 gene causes a frameshift starting with codon Valine 64, changes this amino acid to an Arginine residue and creates a premature Stop codon at position 14 of the new reading frame, denoted p.Val64ArgfsX14. This mutation is predicted to cause loss of normal protein function either through protein truncation or nonsense-mediated mRNA decay. Although this mutation has not been previously reported to our knowledge, it is considered a disease-causing mutation. The variant is found in EPILEPSY panel(s).

PreventionGenetics, part of Exact Sciences
Classification: Uncertain significance for ALDH7A1-related condition. Last evaluated: 2024-06-27. Review status: no assertion criteria provided. Collection method: clinical testing. Allele origin: germline. Not counted in ClinVar's aggregate classification.
Comment: The ALDH7A1 c.191_192dupAG variant is predicted to result in an in-frame duplication (p.?). This variant results in two AG-donor sites at the boundary of exon one and intron one (NM_001182). In silico splicing predictions suggest that the 3' donor will be strongly favored (SpliceAI, Jaganathan K, et al. 2019. PubMed ID: 30661751), resulting in a two-nucleotide coding-sequence insertion and frameshift (p.Val65Argfs*14). If instead, the 5' donor is utilized, splicing would occur as normal, causing no change to the protein sequence. To our knowledge, this variant has not been reported in the literature in association with disease or the gnomAD general population database, indicating it is rare. Although we suspect that this variant may be pathogenic, at this time, the clinical significance is uncertain due to the absence of conclusive functional and genetic evidence.

Literature cited by the submitters: PubMed 16491085 (cited by Labcorp Genetics (formerly Invitae), Labcorp); PubMed 20554659 (cited by Labcorp Genetics (formerly Invitae), Labcorp).